The following is an entry in ClinVar:

ClinVar aggregate classification (germline): Likely benign. Review status: criteria provided, multiple submitters, no conflicts (2 of 4 stars). 2 submissions from 2 submitters: Likely benign (2). Last evaluated 2025-08-06.

Conditions:
Multiple endocrine neoplasia, type 2 (MEN2). Identifiers: Orphanet 653, MedGen C4048306, MONDO:0019003. Disease mechanism: gain of function.
Multiple endocrine neoplasia type 2A. Also called: Multiple Endocrine Neoplasia Type 2A (MEN2A); MULTIPLE ENDOCRINE NEOPLASIA, TYPE IIA; PTC SYNDROME; SIPPLE SYNDROME; MEN 2A; MEN-2A syndrome. Identifiers: Orphanet 247698, Orphanet 653, MedGen C0025268, MeSH D018813, MONDO:0008234, OMIM 171400.

gnomAD v4.1: 1 of 1,612,864 alleles (0.000062%); highest among the groups gnomAD compares: Non-Finnish European, 0.000085%; no homozygotes.

Submissions (2):

Labcorp Genetics (formerly Invitae), Labcorp
Classification: Likely benign for Multiple endocrine neoplasia, type 2. Last evaluated: 2025-08-06. Review status: criteria provided, single submitter. Criteria: Invitae Variant Classification Sherloc (09022015). Collection method: clinical testing. Allele origin: germline.

Myriad Genetics, Inc.
Classification: Likely benign for Multiple endocrine neoplasia type 2A. Last evaluated: 2025-02-26. Review status: criteria provided, single submitter. Criteria: Myriad Autosomal Dominant, Autosomal Recessive and X-Linked Classification Criteria (2023). Collection method: clinical testing. Allele origin: unknown.
Comment: This variant is considered likely benign. This variant is intronic and is not expected to impact mRNA splicing.

NM_020975.6(RET):c.1879+7G>A

Gene: RET (ret proto-oncogene; plus strand). Cytogenetic location: 10q11.21.
Variant type: single nucleotide variant.
Coding change: c.1879+7G>A on transcript NM_020975.6 (MANE Select); 7 bases into the intron after coding-DNA position 1879, G replaced by A.
Molecular consequence: intron variant.
Genome position (GRCh38, 1-based): chr10:43,113,682, G>A. VCF-style: chr10-43113682-G-A. GRCh37 (hg19) VCF-style: chr10-43609130-G-A.
Other names: c.1879+7G>A (NM_001406759.1, NM_020630.7, NM_001406760.1 and 4 more transcripts); c.1483+7G>A (NM_001406772.1, NM_001406769.1); c.1441+7G>A (NM_001406773.1, NM_001406771.1); c.982+7G>A (NM_001406782.1, NM_001406780.1, NM_001406779.1 and 2 more transcripts); c.862+719G>A (NM_001406785.1); c.1750+7G>A (NM_001406764.1, NM_001406762.1, NM_001406761.1 and 1 more transcripts); c.1354+7G>A (NM_001406774.1); c.853+7G>A (NM_001406786.1, NM_001406783.1); and 7 more.
Identifiers: ClinVar variation 763148 (VCV000763148.10), dbSNP rs1188339370, ClinGen allele CA915945884.
Genomic context (GRCh38, chr10:43,113,682, plus strand): 5'-GCAACTGCTTCCCTGAGGAGGAGAAGTGCTTCTGCGAGCCCGAAGACATCCAGGGTGAGT[G>A]GGTGGCGGCCGGGACCACCACCACCTCCCAGCCCCACAGAGGTCTCAACAGCACATCTGA-3'